The following is an entry in ClinVar:

ClinVar aggregate classification (germline): Uncertain significance (1 of 4 stars; one submission).

Conditions:
Mitochondrial complex II deficiency, nuclear type 1. Also called: SUCCINATE CoQ REDUCTASE DEFICIENCY. Identifiers: Orphanet 3208, MedGen C5700310, MONDO:0100294, OMIM 252011.
Pheochromocytoma/paraganglioma syndrome 5. Also called: Paragangliomas 5; SDHA-Related Hereditary Paraganglioma-Pheochromocytoma Syndrome. Identifiers: Orphanet 29072, MedGen C3279992, MONDO:0013602, OMIM 614165.

Submission:

Labcorp Genetics (formerly Invitae), Labcorp
Classification: Uncertain significance for Pheochromocytoma/paraganglioma syndrome 5; Mitochondrial complex II deficiency, nuclear type 1. Last evaluated: 2025-09-10. Review status: criteria provided, single submitter. Criteria: Invitae Variant Classification Sherloc (09022015). Collection method: clinical testing. Allele origin: germline.
Comment: This sequence change replaces alanine, which is neutral and non-polar, with threonine, which is neutral and polar, at codon 449 of the SDHA protein (p.Ala449Thr). This variant is not present in population databases (gnomAD no frequency). This variant has not been reported in the literature in individuals affected with SDHA-related conditions. ClinVar contains an entry for this variant (Variation ID: 1040939). Invitae Evidence Modeling of protein sequence and biophysical properties (such as structural, functional, and spatial information, amino acid conservation, physicochemical variation, residue mobility, and thermodynamic stability) has been performed for this missense variant. However, the output from this modeling did not meet the statistical confidence thresholds required to predict the impact of this variant on SDHA protein function. In summary, the available evidence is currently insufficient to determine the role of this variant in disease. Therefore, it has been classified as a Variant of Uncertain Significance.

NM_004168.4(SDHA):c.1345G>A (p.Ala449Thr)

Gene: SDHA (succinate dehydrogenase complex flavoprotein subunit A; plus strand). Cytogenetic location: 5p15.33.
Variant type: single nucleotide variant.
Coding change: c.1345G>A on transcript NM_004168.4 (MANE Select); coding-DNA position 1345, G replaced by A.
Protein change: p.Ala449Thr; replaces alanine 449 with threonine.
Molecular consequence: missense variant.
Genome position (GRCh38, 1-based): chr5:236,512, G>A. VCF-style: chr5-236512-G-A. GRCh37 (hg19) VCF-style: chr5-236627-G-A.
Other names: c.1201G>A, p.Ala401Thr (NM_001294332.2); c.1345G>A, p.Ala449Thr (NM_001330758.2); short protein forms A401T, A449T.
Identifiers: ClinVar variation 1040939 (VCV001040939.13), dbSNP rs1485193902, ClinGen allele CA359013970.